The following is an entry in ClinVar:

NM_000152.5(GAA):c.583T>G (p.Leu195Val)

Gene: GAA (alpha glucosidase; plus strand). Cytogenetic location: 17q25.3.
Variant type: single nucleotide variant.
Coding change: c.583T>G on transcript NM_000152.5 (MANE Select); coding-DNA position 583, T replaced by G.
Protein change: p.Leu195Val; replaces leucine 195 with valine.
Molecular consequence: missense variant.
Genome position (GRCh38, 1-based): chr17:80,105,785, T>G. VCF-style: chr17-80105785-T-G. GRCh37 (hg19) VCF-style: chr17-78079584-T-G.
Other names: c.583T>G, p.Leu195Val (NM_001079803.3, NM_001079804.3); short protein forms L195V.
Identifiers: ClinVar variation 1509866 (VCV001509866.8), dbSNP rs1323831512, ClinGen allele CA401362170.

ClinVar aggregate classification (germline): Uncertain significance (1 of 4 stars; one submission).

Conditions:
Glycogen storage disease, type II (IOPD). Also called: Glucosidase acid-1,4-alpha deficiency; Pompe Disease; POMPE DISEASE, INFANTILE-ONSET; GLYCOGEN STORAGE DISEASE II, INFANTILE-ONSET; ACID ALPHA-GLUCOSIDASE DEFICIENCY, INFANTILE-ONSET; GAA DEFICIENCY, INFANTILE-ONSET. Identifiers: Orphanet 365, MedGen C0017921, MONDO:0009290, OMIM 232300.

Allele frequency attached by ClinVar (database versions not stated): gnomAD exomes below 0.00001; gnomAD 0.00001.

Submission:

Labcorp Genetics (formerly Invitae), Labcorp
Classification: Uncertain significance for Glycogen storage disease, type II. Last evaluated: 2022-11-01. Review status: criteria provided, single submitter. Criteria: Invitae Variant Classification Sherloc (09022015). Collection method: clinical testing. Allele origin: germline.
Comment: In summary, the available evidence is currently insufficient to determine the role of this variant in disease. Therefore, it has been classified as a Variant of Uncertain Significance. Advanced modeling of protein sequence and biophysical properties (such as structural, functional, and spatial information, amino acid conservation, physicochemical variation, residue mobility, and thermodynamic stability) performed at Invitae indicates that this missense variant is not expected to disrupt GAA protein function. ClinVar contains an entry for this variant (Variation ID: 1509866). This variant has not been reported in the literature in individuals affected with GAA-related conditions. This variant is present in population databases (no rsID available, gnomAD 0.007%). This sequence change replaces leucine, which is neutral and non-polar, with valine, which is neutral and non-polar, at codon 195 of the GAA protein (p.Leu195Val).